The following is an entry in ClinVar:

NM_022051.3(EGLN1):c.278C>G (p.Pro93Arg)

Gene: EGLN1 (egl-9 family hypoxia inducible factor 1; minus strand). Cytogenetic location: 1q42.2.
Variant type: single nucleotide variant.
Coding change: c.278C>G on transcript NM_022051.3 (MANE Select); coding-DNA position 278, C replaced by G.
Protein change: p.Pro93Arg; replaces proline 93 with arginine.
Molecular consequence: missense variant.
Genome position (GRCh38, 1-based): chr1:231,421,611, G>C on the plus strand (C>G on the coding strand, the complement: EGLN1 is on the minus strand). VCF-style: chr1-231421611-G-C. GRCh37 (hg19) VCF-style: chr1-231557357-G-C.
Other names: c.278C>G, p.Pro93Arg (NM_001377260.1, NM_001377261.1); short protein forms P93R.
Identifiers: ClinVar variation 3274789 (VCV003274789.1).

ClinVar aggregate classification (germline): Uncertain significance (1 of 4 stars; one submission).

Submission:

Ambry Genetics
Classification: Uncertain significance. Last evaluated: 2024-05-08. Review status: criteria provided, single submitter. Criteria: Ambry Variant Classification Scheme 2023. Collection method: clinical testing. Allele origin: germline.
Comment: The p.P93R variant (also known as c.278C>G), located in coding exon 1 of the EGLN1 gene, results from a C to G substitution at nucleotide position 278. The proline at codon 93 is replaced by arginine, an amino acid with dissimilar properties. This amino acid position is conserved. In addition, this alteration is predicted to be tolerated by in silico analysis. Based on the available evidence, the clinical significance of this variant remains unclear.